The following is an entry in ClinVar:

NM_002474.3(MYH11):c.3817C>T (p.Arg1273Trp)

Gene: MYH11 (myosin heavy chain 11; minus strand). Cytogenetic location: 16p13.11.
Variant type: single nucleotide variant.
Coding change: c.3817C>T on transcript NM_002474.3 (MANE Select); coding-DNA position 3817, C replaced by T.
Protein change: p.Arg1273Trp; replaces arginine 1273 with tryptophan.
Molecular consequence: missense variant.
Genome position (GRCh38, 1-based): chr16:15,726,889, G>A on the plus strand (C>T on the coding strand, the complement: MYH11 is on the minus strand). VCF-style: chr16-15726889-G-A. GRCh37 (hg19) VCF-style: chr16-15820746-G-A.
Other names: c.3838C>T, p.Arg1280Trp (NM_001040113.2, NM_001040114.2); c.3817C>T, p.Arg1273Trp (NM_022844.3); short protein forms R1273W, R1280W.
Identifiers: ClinVar variation 429646 (VCV000429646.17), dbSNP rs142227497, ClinGen allele CA7921882.

ClinVar aggregate classification (germline): Uncertain significance. Review status: criteria provided, multiple submitters, no conflicts (2 of 4 stars). 5 submissions from 5 submitters: Uncertain significance (5). Last evaluated 2025-09-27.

Conditions:
Aortic aneurysm, familial thoracic 4 (AAT4). Also called: AORTIC ANEURYSM/AORTIC DISSECTION AND PATENT DUCTUS ARTERIOSUS. Identifiers: MedGen C1851504, MONDO:0007568, OMIM 132900.
Visceral myopathy 2. Identifiers: MedGen C5543466, MONDO:0859157, OMIM 619350.
Megacystis-microcolon-intestinal hypoperistalsis syndrome 2. Identifiers: MedGen C5543476, MONDO:0025708, OMIM 619351.
Familial thoracic aortic aneurysm and aortic dissection (TAAD). Also called: Thoracic aortic aneurysms and dissections. Identifiers: Orphanet 91387, MedGen C4707243, MONDO:0019625.

Allele frequency attached by ClinVar (database versions not stated): gnomAD 0.00003 and 0.00004.
gnomAD v4.1: 31 of 1,612,052 alleles (0.0019%); highest among the groups gnomAD compares: African/African-American, 0.008%; no homozygotes.

Submissions (5):

Labcorp Genetics (formerly Invitae), Labcorp
Classification: Uncertain significance for Aortic aneurysm, familial thoracic 4. Last evaluated: 2025-09-27. Review status: criteria provided, single submitter. Criteria: Invitae Variant Classification Sherloc (09022015). Collection method: clinical testing. Allele origin: germline.
Comment: This sequence change replaces arginine, which is basic and polar, with tryptophan, which is neutral and slightly polar, at codon 1280 of the MYH11 protein (p.Arg1280Trp). This variant is present in population databases (rs142227497, gnomAD 0.01%). This variant has not been reported in the literature in individuals affected with MYH11-related conditions. ClinVar contains an entry for this variant (Variation ID: 429646). Invitae Evidence Modeling of protein sequence and biophysical properties (such as structural, functional, and spatial information, amino acid conservation, physicochemical variation, residue mobility, and thermodynamic stability) indicates that this missense variant is not expected to disrupt MYH11 protein function with a negative predictive value of 80%. In summary, the available evidence is currently insufficient to determine the role of this variant in disease. Therefore, it has been classified as a Variant of Uncertain Significance.

Color Diagnostics, LLC DBA Color Health
Classification: Uncertain significance for Familial thoracic aortic aneurysm and aortic dissection. Last evaluated: 2024-03-06. Review status: criteria provided, single submitter. Criteria: ACMG Guidelines, 2015. Collection method: clinical testing. Allele origin: germline.
Comment: This missense variant replaces arginine with tryptophan at codon 1280 of the MYH11 protein. Computational prediction tool suggests that this variant may have deleterious impact on protein structure and function (internally defined REVEL score threshold >=0.7, PMID: 27666373). Splice site prediction tools suggest that this variant may not impact RNA splicing. To our knowledge, functional studies have not been performed for this variant. This variant has not been reported in individuals affected with cardiovascular disorders in the literature. This variant has not been identified in the general population by the Genome Aggregation Database (gnomAD). The available evidence is insufficient to determine the role of this variant in disease conclusively. Therefore, this variant is classified as a Variant of Uncertain Significance.

Ambry Genetics
Classification: Uncertain significance for Familial thoracic aortic aneurysm and aortic dissection. Last evaluated: 2023-06-05. Review status: criteria provided, single submitter. Criteria: Ambry Variant Classification Scheme 2023. Collection method: clinical testing. Allele origin: germline.
Comment: The p.R1273W variant (also known as c.3817C>T), located in coding exon 27 of the MYH11 gene, results from a C to T substitution at nucleotide position 3817. The arginine at codon 1273 is replaced by tryptophan, an amino acid with dissimilar properties. This amino acid position is conserved. In addition, the in silico prediction for this alteration is inconclusive. Since supporting evidence is limited at this time, the clinical significance of this alteration remains unclear.

Fulgent Genetics
Classification: Uncertain significance for Aortic aneurysm, familial thoracic 4; Visceral myopathy 2; Megacystis-microcolon-intestinal hypoperistalsis syndrome 2. Last evaluated: 2021-09-16. Review status: criteria provided, single submitter. Criteria: ACMG Guidelines, 2015. Collection method: clinical testing. Allele origin: unknown.

GeneDx
Classification: Uncertain significance. Last evaluated: 2017-04-28. Review status: criteria provided, single submitter. Criteria: GeneDx Variant Classification (06012015). Collection method: clinical testing. Allele origin: germline. Affected: yes.
Comment: A variant of uncertain significance has been identified in the MYH11 gene. The R1273W variant has not been published as pathogenic or been reported as benign to our knowledge. This variant is not observed at a significant frequency in large population cohorts (Lek et al., 2016; 1000 Genomes Consortium et al., 2015; Exome Variant Server). The R1273W variant is a non-conservative amino acid substitution, which is likely to impact secondary protein structure as these residues differ in polarity, charge, size and/or other properties. Although this substitution occurs at a position where amino acids with similar properties to arginine are tolerated across species, tryptophan is not tolerated at this position in any species. Moreover, in silico analysis predicts this variant is probably damaging to the protein structure/function. Nevertheless, no missense variants in nearby residues have been reported in the Human Gene Mutation Database in association with MYH11-related disorders (Stenson et al., 2014).